The following is an entry in ClinVar:

ClinVar aggregate classification (germline): Uncertain significance (1 of 4 stars; one submission).

Submission:

Labcorp Genetics (formerly Invitae), Labcorp
Classification: Uncertain significance. Last evaluated: 2025-06-15. Review status: criteria provided, single submitter. Criteria: Invitae Variant Classification Sherloc (09022015). Collection method: clinical testing. Allele origin: germline.
Comment: This sequence change replaces arginine, which is basic and polar, with cysteine, which is neutral and slightly polar, at codon 42 of the TONSL protein (p.Arg42Cys). This variant is not present in population databases (gnomAD no frequency). This variant has not been reported in the literature in individuals affected with TONSL-related conditions. An algorithm developed to predict the effect of missense changes on protein structure and function outputs the following: PolyPhen-2: "Benign". The cysteine amino acid residue is found in multiple mammalian species, which suggests that this missense change does not adversely affect protein function. In summary, the available evidence is currently insufficient to determine the role of this variant in disease. Therefore, it has been classified as a Variant of Uncertain Significance.

NM_013432.5(TONSL):c.124C>T (p.Arg42Cys)

Gene: TONSL (tonsoku like, DNA repair protein; minus strand). Cytogenetic location: 8q24.3.
Variant type: single nucleotide variant.
Coding change: c.124C>T on transcript NM_013432.5 (MANE Select); coding-DNA position 124, C replaced by T.
Protein change: p.Arg42Cys; replaces arginine 42 with cysteine.
Molecular consequence: missense variant.
Genome position (GRCh38, 1-based): chr8:144,444,022, G>A on the plus strand (C>T on the coding strand, the complement: TONSL is on the minus strand). VCF-style: chr8-144444022-G-A. GRCh37 (hg19) VCF-style: chr8-145669405-G-A.
Other names: short protein forms R42C.
Identifiers: ClinVar variation 4738538 (VCV004738538.1).
Genomic context (GRCh38, chr8:144,444,022, plus strand): 5'-CGTCAGCGCGCTCCCGAAGCTGCAGCTCCTGCCAGTGCTGCTCCAGAGCCTCGGCGTAGC[G>A]GCCTAGGCGGGGGCACAGCACGGCCTGGCAGGCGTCGCGGGTGCGAGGGCGGCCCTGGGG-3'
Protein context (NP_038460.4, residues 32-52): QLGELLAGHG[Arg42Cys]YAEALEQHWQ